The following is an entry in ClinVar:

NM_004329.3(BMPR1A):c.1181T>C (p.Val394Ala)

Gene: BMPR1A (bone morphogenetic protein receptor type 1A; plus strand). Cytogenetic location: 10q23.2.
Variant type: single nucleotide variant.
Coding change: c.1181T>C on transcript NM_004329.3 (MANE Select); coding-DNA position 1181, T replaced by C.
Protein change: p.Val394Ala; replaces valine 394 with alanine.
Molecular consequence: missense variant.
Genome position (GRCh38, 1-based): chr10:86,921,534, T>C. VCF-style: chr10-86921534-T-C. GRCh37 (hg19) VCF-style: chr10-88681291-T-C.
Other names: short protein forms V394A.
Identifiers: ClinVar variation 1488093 (VCV001488093.9), dbSNP rs2133605898, ClinGen allele CA377461858.

ClinVar aggregate classification (germline): Uncertain significance. Review status: criteria provided, multiple submitters, no conflicts (2 of 4 stars). 3 submissions from 3 submitters: Uncertain significance (3). Last evaluated 2023-12-01.

Conditions:
Juvenile polyposis syndrome (JPS). Identifiers: Orphanet 2929, MedGen C0345893, MONDO:0017380, OMIM 174900.
Hereditary cancer-predisposing syndrome. Also called: Neoplastic Syndromes, Hereditary; Tumor predisposition; Hereditary neoplastic syndrome; Hereditary Cancer Syndrome. Identifiers: Orphanet 140162, MedGen C0027672, MeSH D009386, MONDO:0015356.

Submissions (3):

All of Us Research Program, National Institutes of Health
Classification: Uncertain significance for Juvenile polyposis syndrome. Last evaluated: 2023-12-01. Review status: criteria provided, single submitter. Criteria: ACMG Guidelines, 2015. Collection method: clinical testing. Allele origin: germline. Inheritance: Autosomal dominant inheritance. Observed: 1 variant allele, 1 heterozygote.
Comment: This study involves interpretation of variants in research participants for the purpose of population health screening. Participant phenotype was not available at the time of variant classification. Additional details can be found in publication PMID: 35346344, PMCID: PMC8962531

Labcorp Genetics (formerly Invitae), Labcorp
Classification: Uncertain significance for Juvenile polyposis syndrome. Last evaluated: 2021-10-19. Review status: criteria provided, single submitter. Criteria: Invitae Variant Classification Sherloc (09022015). Collection method: clinical testing. Allele origin: germline.
Comment: In summary, the available evidence is currently insufficient to determine the role of this variant in disease. Therefore, it has been classified as a Variant of Uncertain Significance. Advanced modeling of protein sequence and biophysical properties (such as structural, functional, and spatial information, amino acid conservation, physicochemical variation, residue mobility, and thermodynamic stability) performed at Invitae indicates that this missense variant is not expected to disrupt BMPR1A protein function. This variant has not been reported in the literature in individuals affected with BMPR1A-related conditions. This variant is not present in population databases (ExAC no frequency). This sequence change replaces valine with alanine at codon 394 of the BMPR1A protein (p.Val394Ala). The valine residue is highly conserved and there is a small physicochemical difference between valine and alanine.

Ambry Genetics
Classification: Uncertain significance for Hereditary cancer-predisposing syndrome. Last evaluated: 2019-06-05. Review status: criteria provided, single submitter. Criteria: Ambry Variant Classification Scheme 2023. Collection method: clinical testing. Allele origin: germline.
Comment: The p.V394A variant (also known as c.1181T>C), located in coding exon 9 of the BMPR1A gene, results from a T to C substitution at nucleotide position 1181. The valine at codon 394 is replaced by alanine, an amino acid with similar properties. This amino acid position is highly conserved in available vertebrate species. In addition, the in silico prediction for this alteration is inconclusive. Since supporting evidence is limited at this time, the clinical significance of this alteration remains unclear.